The following is an entry in ClinVar:

ClinVar aggregate classification (germline): Uncertain significance (1 of 4 stars; one submission).

Conditions:
Familial thoracic aortic aneurysm and aortic dissection (TAAD). Also called: Thoracic aortic aneurysms and dissections. Identifiers: Orphanet 91387, MedGen C4707243, MONDO:0019625.
Marfan syndrome (MFS). Also called: MARFAN SYNDROME, TYPE I; Marfan syndrome type 1; Marfan's syndrome; Marfan syndrome, classic; FBN1-Related Marfan Syndrome. Identifiers: Orphanet 284963, Orphanet 558, MedGen C0024796, MONDO:0007947, OMIM 154700.

Submission:

Labcorp Genetics (formerly Invitae), Labcorp
Classification: Uncertain significance for Marfan syndrome; Familial thoracic aortic aneurysm and aortic dissection. Last evaluated: 2022-02-08. Review status: criteria provided, single submitter. Criteria: Invitae Variant Classification Sherloc (09022015). Collection method: clinical testing. Allele origin: germline.
Comment: This sequence change replaces glycine, which is neutral and non-polar, with valine, which is neutral and non-polar, at codon 2226 of the FBN1 protein (p.Gly2226Val). This variant is not present in population databases (gnomAD no frequency). This missense change has been observed in individual(s) with clinical features of FBN1-related conditions (Invitae). Advanced modeling of protein sequence and biophysical properties (such as structural, functional, and spatial information, amino acid conservation, physicochemical variation, residue mobility, and thermodynamic stability) performed at Invitae indicates that this missense variant is expected to disrupt FBN1 protein function. In summary, the available evidence is currently insufficient to determine the role of this variant in disease. Therefore, it has been classified as a Variant of Uncertain Significance.

NM_000138.5(FBN1):c.6677G>T (p.Gly2226Val)

Gene: FBN1 (fibrillin 1; minus strand). Cytogenetic location: 15q21.1.
Variant type: single nucleotide variant.
Coding change: c.6677G>T on transcript NM_000138.5 (MANE Select); coding-DNA position 6677, G replaced by T.
Protein change: p.Gly2226Val; replaces glycine 2226 with valine.
Molecular consequence: missense variant.
Genome position (GRCh38, 1-based): chr15:48,432,928, C>A on the plus strand (G>T on the coding strand, the complement: FBN1 is on the minus strand). VCF-style: chr15-48432928-C-A. GRCh37 (hg19) VCF-style: chr15-48725125-C-A.
Other names: c.6677G>T, p.Gly2226Val (NM_001406716.1); short protein forms G2226V.
Identifiers: ClinVar variation 2093521 (VCV002093521.4), dbSNP rs2505425017, ClinGen allele CA392333478.
Genomic context (GRCh38, chr15:48,432,928, plus strand): 5'-TTGCACATCCTACGGTCTTCTCTGAGCACATATCCCACGGGACATTTGCATTCATATGAC[C>A]CATAAGTGTTCACACATCGGAAGGCACAGAGCAGAGGATTCTGGGCACATTCATTTATAT-3'
Protein context (NP_000129.3, residues 2216-2236): LCAFRCVNTY[Gly2226Val]SYECKCPVGY